The following is an entry in ClinVar:

NM_000535.7(PMS2):c.2167C>T (p.Leu723Phe)

Gene: PMS2 (PMS1 homolog 2, mismatch repair system component; minus strand). Cytogenetic location: 7p22.1.
Variant type: single nucleotide variant.
Coding change: c.2167C>T on transcript NM_000535.7 (MANE Select); coding-DNA position 2167, C replaced by T.
Protein change: p.Leu723Phe; replaces leucine 723 with phenylalanine.
Molecular consequence: missense variant. On other transcripts: non-coding transcript variant (1).
Genome position (GRCh38, 1-based): chr7:5,982,831, G>A on the plus strand (C>T on the coding strand, the complement: PMS2 is on the minus strand). VCF-style: chr7-5982831-G-A. GRCh37 (hg19) VCF-style: chr7-6022462-G-A.
Other names: c.1762C>T, p.Leu588Phe (NM_001322003.2, NM_001322004.2, NM_001322005.2 and 1 more transcripts); c.2011C>T, p.Leu671Phe (NM_001322006.2); c.1849C>T, p.Leu617Phe (NM_001322007.2, NM_001322008.2); c.1606C>T, p.Leu536Phe (NM_001322010.2); c.1234C>T, p.Leu412Phe (NM_001322011.2, NM_001322012.2); c.1594C>T, p.Leu532Phe (NM_001322013.2); c.2167C>T, p.Leu723Phe (NM_001322014.2); c.1858C>T, p.Leu620Phe (NM_001322015.2); short protein forms L723F, L532F, L588F, L620F, L412F, L536F, L671F, L617F.
Identifiers: ClinVar variation 455688 (VCV000455688.11), dbSNP rs1456057054, ClinGen allele CA366737849.

ClinVar aggregate classification (germline): Uncertain significance. Review status: criteria provided, multiple submitters, no conflicts (2 of 4 stars). 2 submissions from 2 submitters: Uncertain significance (2). Last evaluated 2025-02-14.

Conditions:
Hereditary nonpolyposis colorectal neoplasms. Identifiers: MedGen C0009405, MeSH D003123.
Hereditary cancer-predisposing syndrome. Also called: Hereditary Cancer Syndrome; Hereditary neoplastic syndrome; Neoplastic Syndromes, Hereditary; Tumor predisposition. Identifiers: Orphanet 140162, MedGen C0027672, MeSH D009386, MONDO:0015356.

Allele frequency attached by ClinVar (database versions not stated): TOPMed below 0.00001; gnomAD exomes 0.00001; gnomAD 0.00003.
gnomAD v4.1: 9 of 1,609,114 alleles (0.00056%); highest among the groups gnomAD compares: Non-Finnish European, 0.00076%; no homozygotes.

Submissions (2):

Ambry Genetics
Classification: Uncertain significance for Hereditary cancer-predisposing syndrome. Last evaluated: 2025-02-14. Review status: criteria provided, single submitter. Criteria: Ambry Variant Classification Scheme 2023. Collection method: clinical testing. Allele origin: germline.
Comment: The p.L723F variant (also known as c.2167C>T), located in coding exon 12 of the PMS2 gene, results from a C to T substitution at nucleotide position 2167. The leucine at codon 723 is replaced by phenylalanine, an amino acid with highly similar properties. This amino acid position is highly conserved in available vertebrate species. In addition, this alteration is predicted to be deleterious by in silico analysis. Since supporting evidence is limited at this time, the clinical significance of this alteration remains unclear.

Labcorp Genetics (formerly Invitae), Labcorp
Classification: Uncertain significance for Hereditary nonpolyposis colorectal neoplasms. Last evaluated: 2022-04-29. Review status: criteria provided, single submitter. Criteria: Invitae Variant Classification Sherloc (09022015). Collection method: clinical testing. Allele origin: germline.
Comment: This sequence change replaces leucine, which is neutral and non-polar, with phenylalanine, which is neutral and non-polar, at codon 723 of the PMS2 protein (p.Leu723Phe). The frequency data for this variant in the population databases (gnomAD) is considered unreliable due to the presence of homologous sequence, such as pseudogenes or paralogs, in the genome. This variant has not been reported in the literature in individuals affected with PMS2-related conditions. ClinVar contains an entry for this variant (Variation ID: 455688). Algorithms developed to predict the effect of missense changes on protein structure and function are either unavailable or do not agree on the potential impact of this missense change (SIFT: "Deleterious"; PolyPhen-2: "Probably Damaging"; Align-GVGD: "Class C15"). Algorithms developed to predict the effect of sequence changes on RNA splicing suggest that this variant may create or strengthen a splice site. In summary, the available evidence is currently insufficient to determine the role of this variant in disease. Therefore, it has been classified as a Variant of Uncertain Significance.